The following is an entry in ClinVar:

NM_007255.3(B4GALT7):c.828+20T>C

Gene: B4GALT7 (beta-1,4-galactosyltransferase 7; plus strand). Cytogenetic location: 5q35.3.
Variant type: single nucleotide variant.
Coding change: c.828+20T>C on transcript NM_007255.3 (MANE Select); 20 bases into the intron after coding-DNA position 828, T replaced by C.
Molecular consequence: intron variant.
Genome position (GRCh38, 1-based): chr5:177,609,034, T>C. VCF-style: chr5-177609034-T-C. GRCh37 (hg19) VCF-style: chr5-177036035-T-C.
Identifiers: ClinVar variation 384697 (VCV000384697.12), dbSNP rs755873, ClinGen allele CA3586698.
Genomic context (GRCh38, chr5:177,609,034, plus strand): 5'-GGCGGAAGAGGGACCAGAAGCGCATCGCAGCTCAAAAACAGGTGCTGGCAGGGCTCCTCA[T>C]TGGGGACAGATAGGTGGTCATGTGGGGAGCCAGCAGGCCCGGGCTTTCACCAAGTTCTCC-3'

ClinVar aggregate classification (germline): Benign/Likely benign. Review status: criteria provided, multiple submitters, no conflicts (2 of 4 stars). 4 submissions from 4 submitters: Benign (3); Likely benign (1). Last evaluated 2026-02-04.

Conditions:
Spondylodysplastic Ehlers-Danlos syndrome. Identifiers: Orphanet 536471, Orphanet 75496, MedGen C5680154, MONDO:0007526.

Allele frequency attached by ClinVar (database versions not stated): ExAC 0.00925; 1000 Genomes Project 0.01837; gnomAD exomes 0.00875 and 0.00903; 1000 Genomes Project 30x 0.01905; gnomAD 0.01920 and 0.02090; TOPMed 0.02181; ESP Exome Variant Server 0.02214.

Submissions (4):

Labcorp Genetics (formerly Invitae), Labcorp
Classification: Benign for Spondylodysplastic Ehlers-Danlos syndrome. Last evaluated: 2026-02-04. Review status: criteria provided, single submitter. Criteria: Invitae Variant Classification Sherloc (09022015). Collection method: clinical testing. Allele origin: germline.

Women's Health and Genetics/Laboratory Corporation of America, LabCorp
Classification: Benign. Last evaluated: 2026-01-22. Review status: criteria provided, single submitter. Criteria: LabCorp Variant Classification Summary - May 2015. Collection method: clinical testing. Allele origin: germline.

Blueprint Genetics
Classification: Likely benign. Last evaluated: 2024-11-26. Review status: criteria provided, single submitter. Criteria: ACMG Guidelines, 2015. Collection method: clinical testing. Allele origin: germline.

GeneDx
Classification: Benign. Last evaluated: 2016-10-20. Review status: criteria provided, single submitter. Criteria: GeneDx Variant Classification (06012015). Collection method: clinical testing. Allele origin: germline. Affected: yes.
Comment: This variant is considered likely benign or benign based on one or more of the following criteria: it is a conservative change, it occurs at a poorly conserved position in the protein, it is predicted to be benign by multiple in silico algorithms, and/or has population frequency not consistent with disease.